The following is an entry in ClinVar:

ClinVar aggregate classification (germline): Conflicting classifications of pathogenicity. Review status: criteria provided, conflicting classifications (1 of 4 stars). 2 submissions from 2 submitters: Uncertain significance (1); Likely benign (1). Last evaluated 2026-03-31.

Conditions:
Mitochondrial complex II deficiency, nuclear type 1. Also called: SUCCINATE CoQ REDUCTASE DEFICIENCY. Identifiers: Orphanet 3208, MedGen C5700310, MONDO:0100294, OMIM 252011.
Pheochromocytoma/paraganglioma syndrome 5. Also called: Paragangliomas 5; SDHA-Related Hereditary Paraganglioma-Pheochromocytoma Syndrome. Identifiers: Orphanet 29072, MedGen C3279992, MONDO:0013602, OMIM 614165.
Hereditary cancer-predisposing syndrome. Also called: Neoplastic Syndromes, Hereditary; Hereditary Cancer Syndrome; Hereditary neoplastic syndrome; Tumor predisposition. Identifiers: Orphanet 140162, MedGen C0027672, MeSH D009386, MONDO:0015356.

Submissions (2):

Ambry Genetics
Classification: Likely benign for Hereditary cancer-predisposing syndrome. Last evaluated: 2026-03-31. Review status: criteria provided, single submitter. Criteria: Ambry Variant Classification Scheme 2023. Collection method: clinical testing. Allele origin: germline.

Labcorp Genetics (formerly Invitae), Labcorp
Classification: Uncertain significance for Pheochromocytoma/paraganglioma syndrome 5; Mitochondrial complex II deficiency, nuclear type 1. Last evaluated: 2026-01-26. Review status: criteria provided, single submitter. Criteria: Invitae Variant Classification Sherloc (09022015). Collection method: clinical testing. Allele origin: germline.
Comment: This sequence change replaces proline, which is neutral and non-polar, with serine, which is neutral and polar, at codon 486 of the SDHA protein (p.Pro486Ser). This variant is not present in population databases (gnomAD no frequency). This variant has not been reported in the literature in individuals affected with SDHA-related conditions. ClinVar contains an entry for this variant (Variation ID: 472334). Invitae Evidence Modeling of protein sequence and biophysical properties (such as structural, functional, and spatial information, amino acid conservation, physicochemical variation, residue mobility, and thermodynamic stability) indicates that this missense variant is not expected to disrupt SDHA protein function with a negative predictive value of 95%. In summary, the available evidence is currently insufficient to determine the role of this variant in disease. Therefore, it has been classified as a Variant of Uncertain Significance.

NM_004168.4(SDHA):c.1456C>T (p.Pro486Ser)

Gene: SDHA (succinate dehydrogenase complex flavoprotein subunit A; plus strand). Cytogenetic location: 5p15.33.
Variant type: single nucleotide variant.
Coding change: c.1456C>T on transcript NM_004168.4 (MANE Select); coding-DNA position 1456, C replaced by T.
Protein change: p.Pro486Ser; replaces proline 486 with serine.
Molecular consequence: missense variant.
Genome position (GRCh38, 1-based): chr5:240,381, C>T. VCF-style: chr5-240381-C-T. GRCh37 (hg19) VCF-style: chr5-240496-C-T.
Other names: c.1312C>T, p.Pro438Ser (NM_001294332.2); c.1456C>T, p.Pro486Ser (NM_001330758.2); c.1456C>T (NM_004168.2); short protein forms P486S, P438S.
Identifiers: ClinVar variation 472334 (VCV000472334.10), dbSNP rs1060503706, ClinGen allele CA359014205.
Genomic context (GRCh38, chr5:240,381, plus strand): 5'-TTTTCAAAAGTTAAATTCTAGCTTTTTTTTGTTTTAGGAGATAAAGTCCCTCCAATTAAA[C>T]CAAACGCTGGGGAAGAATCTGTCATGAATCTTGACAAATTGAGATTTGCTGATGGAAGCA-3'
Protein context (NP_004159.2, residues 476-496): RPGDKVPPIK[Pro486Ser]NAGEESVMNL